The following is an entry in ClinVar:

NM_052947.4(ALPK2):c.4602G>T (p.Leu1534Phe)

Genes: ALPK2 (alpha kinase 2; minus strand), LOC126862764 (BRD4-independent group 4 enhancer GRCh37_chr18:56202574-56203773; plus strand). Cytogenetic location: 18q21.31.
Variant type: single nucleotide variant.
Coding change: c.4602G>T on transcript NM_052947.4 (MANE Select); coding-DNA position 4602, G replaced by T.
Protein change: p.Leu1534Phe; replaces leucine 1534 with phenylalanine.
Molecular consequence: missense variant.
Genome position (GRCh38, 1-based): chr18:58,535,585, C>A on the plus strand (G>T on the coding strand, the complement: ALPK2 is on the minus strand). VCF-style: chr18-58535585-C-A. GRCh37 (hg19) VCF-style: chr18-56202817-C-A.
Other names: short protein forms L1534F.
Identifiers: ClinVar variation 3228753 (VCV003228753.1), dbSNP rs867104004, ClinGen allele CA402561080.
Genomic context (GRCh38, chr18:58,535,585, plus strand): 5'-CCCAAGAGAAGCGTGAGTCATTATTGGAAGACAACTAGAAAGAGGTGAAGTGGGGGAAAT[C>A]AATTCTGCTTTGTCCTTTTTGCTTTGCTCAGCCTCCCCTAAGCTCCCATCACTGCTTTCT-3'
Protein context (NP_443179.3, residues 1524-1544): AEQSKKDKAE[Leu1534Phe]ISPTSPLSSC

ClinVar aggregate classification (germline): Uncertain significance (1 of 4 stars; one submission).

Submission:

Ambry Genetics
Classification: Uncertain significance. Last evaluated: 2023-11-06. Review status: criteria provided, single submitter. Criteria: Ambry Variant Classification Scheme 2023. Collection method: clinical testing. Allele origin: germline.
Comment: The p.L1534F variant (also known as c.4602G>T), located in coding exon 4 of the ALPK2 gene, results from a G to T substitution at nucleotide position 4602. The leucine at codon 1534 is replaced by phenylalanine, an amino acid with highly similar properties. This amino acid position is conserved. In addition, this alteration is predicted to be tolerated by in silico analysis. Since supporting evidence is limited at this time, the clinical significance of this alteration remains unclear.